The following is an entry in ClinVar:

ClinVar aggregate classification (germline): Uncertain significance (1 of 4 stars; one submission).

Conditions:
Myofibrillar myopathy 5. Also called: Filaminopathy (type); FILAMINOPATHY, AUTOSOMAL DOMINANT. Identifiers: Orphanet 171445, MedGen C1836050, MONDO:0012289, OMIM 609524.
Hypertrophic cardiomyopathy 26. Also called: Cardiomyopathy, familial hypertrophic, 26. Identifiers: Orphanet 75249, MedGen C4310749, MONDO:0014883, OMIM 617047.
Distal myopathy with posterior leg and anterior hand involvement. Also called: WILLIAMS DISTAL MYOPATHY. Identifiers: Orphanet 63273, MedGen C3279722, MONDO:0013550, OMIM 614065.

Submission:

Labcorp Genetics (formerly Invitae), Labcorp
Classification: Uncertain significance for Distal myopathy with posterior leg and anterior hand involvement; Myofibrillar myopathy 5; Hypertrophic cardiomyopathy 26. Last evaluated: 2022-09-23. Review status: criteria provided, single submitter. Criteria: Invitae Variant Classification Sherloc (09022015). Collection method: clinical testing. Allele origin: germline.
Comment: In summary, the available evidence is currently insufficient to determine the role of this variant in disease. Therefore, it has been classified as a Variant of Uncertain Significance. Advanced modeling of protein sequence and biophysical properties (such as structural, functional, and spatial information, amino acid conservation, physicochemical variation, residue mobility, and thermodynamic stability) has been performed at Invitae for this missense variant, however the output from this modeling did not meet the statistical confidence thresholds required to predict the impact of this variant on FLNC protein function. This variant has not been reported in the literature in individuals affected with FLNC-related conditions. This variant is not present in population databases (gnomAD no frequency). This sequence change replaces proline, which is neutral and non-polar, with arginine, which is basic and polar, at codon 1451 of the FLNC protein (p.Pro1451Arg).

NM_001458.5(FLNC):c.4352C>G (p.Pro1451Arg)

Gene: FLNC (filamin C; plus strand). Cytogenetic location: 7q32.1.
Variant type: single nucleotide variant.
Coding change: c.4352C>G on transcript NM_001458.5 (MANE Select); coding-DNA position 4352, C replaced by G.
Protein change: p.Pro1451Arg; replaces proline 1451 with arginine.
Molecular consequence: missense variant.
Genome position (GRCh38, 1-based): chr7:128,847,760, C>G. VCF-style: chr7-128847760-C-G. GRCh37 (hg19) VCF-style: chr7-128487814-C-G.
Other names: c.4352C>G, p.Pro1451Arg (NM_001127487.2); short protein forms P1451R.
Identifiers: ClinVar variation 1945391 (VCV001945391.5), dbSNP rs2536645836, ClinGen allele CA369201313.